The following is an entry in ClinVar:

NM_007294.4(BRCA1):c.1379del (p.Ile460fs)

Gene: BRCA1 (BRCA1 DNA repair associated; minus strand). Cytogenetic location: 17q21.31.
Variant type: Deletion.
Coding change: c.1379del on transcript NM_007294.4 (MANE Select); coding-DNA position 1379, one base deleted (T; older notation c.1379delT).
Protein change: p.Ile460fs; shifts the reading frame from isoleucine 460.
Molecular consequence: frameshift variant. On other transcripts: intron variant (137).
Genome position (GRCh38, 1-based): chr17:43,094,152, A deleted on the plus strand (T on the coding strand, the reverse complement: BRCA1 is on the minus strand). VCF-style (leftmost placement, unchanged base first): chr17-43094151-TA-T. GRCh37 (hg19) VCF-style: chr17-41246168-TA-T.
Other names: 1498delT; c.998del, p.Ile333fs (NM_001407959.1, NM_001407960.1, NM_001407963.1); c.995del, p.Ile332fs (NM_001407962.1); c.1235del, p.Ile412fs (NM_001407964.1, NM_001407740.1, NM_001407741.1 and 20 more transcripts); c.875del, p.Ile292fs (NM_001407965.1); c.491del, p.Ile164fs (NM_001407966.1, NM_001407967.1); c.1379delT, p.Ile460Asnfs (NM_007294.3); c.1238del, p.Ile413fs (NM_007297.4, NM_001407692.1, NM_001407694.1 and 29 more transcripts); and 42 more; short protein forms I413fs, I460fs, I348fs, I389fs, I393fs, I434fs, I457fs, I349fs.
Identifiers: ClinVar variation 266163 (VCV000266163.6), dbSNP rs886039949, ClinGen allele CA10589941.

ClinVar aggregate classification (germline): Pathogenic. Review status: reviewed by expert panel (3 of 4 stars). 2 submissions from 2 submitters: Pathogenic (1). 1 of the submissions does not count toward it. Last evaluated 2016-10-18.

Conditions:
Breast-ovarian cancer, familial, susceptibility to, 1 (BROVCA1). Also called: BRCA1 Hereditary Breast and Ovarian Cancer; OVARIAN CANCER, SUSCEPTIBILITY TO. Identifiers: Orphanet 145, MedGen C2676676, MONDO:0011450, OMIM 604370. Disease mechanism: loss of function.

Submissions (2):

Evidence-based Network for the Interpretation of Germline Mutant Alleles (ENIGMA)
Classification: Pathogenic for Breast-ovarian cancer, familial, susceptibility to, 1. Last evaluated: 2016-10-18. Review status: reviewed by expert panel. Criteria: ENIGMA BRCA1/2 Classification Criteria (2015). Collection method: curation. Allele origin: germline.
Comment: Variant allele predicted to encode a truncated non-functional protein.

Consortium of Investigators of Modifiers of BRCA1/2 (CIMBA), c/o University of Cambridge
Classification: Pathogenic for Breast-ovarian cancer, familial, susceptibility to, 1. Last evaluated: 2015-10-02. Review status: criteria provided, single submitter. Criteria: CIMBA Mutation Classification guidelines May 2016. Collection method: clinical testing. Allele origin: germline. Not counted in ClinVar's aggregate classification.